The following is an entry in ClinVar:

ClinVar aggregate classification (germline): Uncertain significance (1 of 4 stars; one submission).

Submission:

Labcorp Genetics (formerly Invitae), Labcorp
Classification: Uncertain significance. Last evaluated: 2024-06-21. Review status: criteria provided, single submitter. Criteria: Invitae Variant Classification Sherloc (09022015). Collection method: clinical testing. Allele origin: germline.
Comment: This sequence change replaces leucine, which is neutral and non-polar, with tryptophan, which is neutral and slightly polar, at codon 2299 of the ITPR1 protein (p.Leu2299Trp). This variant is not present in population databases (gnomAD no frequency). This variant has not been reported in the literature in individuals affected with ITPR1-related conditions. Advanced modeling of protein sequence and biophysical properties (such as structural, functional, and spatial information, amino acid conservation, physicochemical variation, residue mobility, and thermodynamic stability) performed at Invitae indicates that this missense variant is expected to disrupt ITPR1 protein function with a positive predictive value of 95%. In summary, the available evidence is currently insufficient to determine the role of this variant in disease. Therefore, it has been classified as a Variant of Uncertain Significance.

NM_001378452.1(ITPR1):c.7085T>G (p.Leu2362Trp)

Gene: ITPR1 (inositol 1,4,5-trisphosphate receptor type 1; plus strand). Cytogenetic location: 3p26.1.
Variant type: single nucleotide variant.
Coding change: c.7085T>G on transcript NM_001378452.1 (MANE Select); coding-DNA position 7085, T replaced by G.
Protein change: p.Leu2362Trp; replaces leucine 2362 with tryptophan.
Molecular consequence: missense variant.
Genome position (GRCh38, 1-based): chr3:4,800,578, T>G. VCF-style: chr3-4800578-T-G. GRCh37 (hg19) VCF-style: chr3-4842262-T-G.
Other names: c.6941T>G, p.Leu2314Trp (NM_001099952.4); c.7040T>G, p.Leu2347Trp (NM_001168272.2); c.6896T>G, p.Leu2299Trp (NM_002222.7); short protein forms L2314W, L2299W, L2347W, L2362W.
Identifiers: ClinVar variation 3657283 (VCV003657283.2).